The following is an entry in ClinVar:

NM_006648.4(WNK2):c.1799C>T (p.Pro600Leu)

Gene: WNK2 (WNK lysine deficient protein kinase 2; plus strand). Cytogenetic location: 9q22.31.
Variant type: single nucleotide variant.
Coding change: c.1799C>T on transcript NM_006648.4 (MANE Select); coding-DNA position 1799, C replaced by T.
Protein change: p.Pro600Leu; replaces proline 600 with leucine.
Molecular consequence: missense variant.
Genome position (GRCh38, 1-based): chr9:93,247,799, C>T. VCF-style: chr9-93247799-C-T. GRCh37 (hg19) VCF-style: chr9-96010081-C-T.
Other names: c.1799C>T, p.Pro600Leu (NM_001282394.3); short protein forms P600L.
Identifiers: ClinVar variation 3981841 (VCV003981841.1).
Genomic context (GRCh38, chr9:93,247,799, plus strand): 5'-AGGCTGGGCAGCCCGGGCCACCAGAGCCCGAGGAGCCGGAGGCCGACCAGCACCTCCTGC[C>T]ACCTACGTTGCCGACCAGCGCCACCTCCCTGGCCTGTGAGTGCTCAGGGGTGGGATGGCC-3'
Protein context (NP_006639.3, residues 590-610): EEPEADQHLL[Pro600Leu]PTLPTSATSL

ClinVar aggregate classification (germline): Uncertain significance (1 of 4 stars; one submission).

Submission:

Ambry Genetics
Classification: Uncertain significance. Last evaluated: 2025-04-09. Review status: criteria provided, single submitter. Criteria: Ambry Variant Classification Scheme 2023. Collection method: clinical testing. Allele origin: germline.
Comment: The p.P600L variant (also known as c.1799C>T), located in coding exon 7 of the WNK2 gene, results from a C to T substitution at nucleotide position 1799. The proline at codon 600 is replaced by leucine, an amino acid with similar properties. This amino acid position is conserved. In addition, this alteration is predicted to be tolerated by in silico analysis. Based on the available evidence, the clinical significance of this variant remains unclear.